The following is an entry in ClinVar:

ClinVar aggregate classification (germline): Uncertain significance (1 of 4 stars; one submission).

Allele frequency attached by ClinVar (database versions not stated): TOPMed below 0.00001.

Submission:

Ambry Genetics
Classification: Uncertain significance. Last evaluated: 2022-06-18. Review status: criteria provided, single submitter. Criteria: Ambry Variant Classification Scheme 2023. Collection method: clinical testing. Allele origin: germline.
Comment: The p.D1088V variant (also known as c.3263A>T), located in coding exon 1 of the MLH3 gene, results from an A to T substitution at nucleotide position 3263. The aspartic acid at codon 1088 is replaced by valine, an amino acid with highly dissimilar properties. This amino acid position is conserved. In addition, the in silico prediction for this alteration is inconclusive. Since supporting evidence is limited at this time, the clinical significance of this alteration remains unclear.

NM_001040108.2(MLH3):c.3263A>T (p.Asp1088Val)

Gene: MLH3 (mutL homolog 3; minus strand). Cytogenetic location: 14q24.3.
Variant type: single nucleotide variant.
Coding change: c.3263A>T on transcript NM_001040108.2 (MANE Select); coding-DNA position 3263, A replaced by T.
Protein change: p.Asp1088Val; replaces aspartic acid 1088 with valine.
Molecular consequence: missense variant.
Genome position (GRCh38, 1-based): chr14:75,046,393, T>A on the plus strand (A>T on the coding strand, the complement: MLH3 is on the minus strand). VCF-style: chr14-75046393-T-A. GRCh37 (hg19) VCF-style: chr14-75513096-T-A.
Other names: c.3263A>T, p.Asp1088Val (NM_014381.3); short protein forms D1088V.
Identifiers: ClinVar variation 1729553 (VCV001729553.2), dbSNP rs1892220786, ClinGen allele CA390434164.
Genomic context (GRCh38, chr14:75,046,393, plus strand): 5'-CATCTTCAAAAGCATCTCATGCACATGAATACTACGTACTTACCATTCTCAAGTACAACA[T>A]CCACAGCCACAGTTGTCAGGTCTTTAGTACAAGCAGCCTGAATGTCCTCAGTTGGGGCAA-3'
Protein context (NP_001035197.1, residues 1078-1098): CTKDLTTVAV[Asp1088Val]VVLENGSQYR